The following is an entry in ClinVar:

NM_000186.4(CFH):c.3586T>C (p.Ser1196Pro)

Gene: CFH (complement factor H; plus strand). Cytogenetic location: 1q31.3.
Variant type: single nucleotide variant.
Coding change: c.3586T>C on transcript NM_000186.4 (MANE Select); coding-DNA position 3586, T replaced by C.
Protein change: p.Ser1196Pro; replaces serine 1196 with proline.
Molecular consequence: missense variant.
Genome position (GRCh38, 1-based): chr1:196,747,203, T>C. VCF-style: chr1-196747203-T-C. GRCh37 (hg19) VCF-style: chr1-196716333-T-C.
Other names: short protein forms S1196P.
Identifiers: ClinVar variation 4291620 (VCV004291620.1).

ClinVar aggregate classification (germline): Uncertain significance (1 of 4 stars; one submission).

Conditions:
Atypical hemolytic-uremic syndrome. Identifiers: Orphanet 2134, MedGen C2931788, MONDO:0016244.
Basal laminar drusen. Also called: DRUSEN OF BRUCH MEMBRANE; DRUSEN, CUTICULAR; DRUSEN, EARLY ADULT-ONSET, GROUPED. Identifiers: Orphanet 75376, MedGen C0730295, MONDO:0007472, OMIM 126700.
Factor H deficiency (CFHD). Also called: COMPLEMENT FACTOR H DEFICIENCY; CFH DEFICIENCY. Identifiers: Orphanet 200421, MedGen C0398777, MONDO:0012350, OMIM 609814.
Age related macular degeneration 4. Identifiers: MedGen C1853147, MONDO:0012540, OMIM 610698.

Submission:

Genomenon, Inc
Classification: Uncertain significance for Basal laminar drusen; Age related macular degeneration 4; Atypical hemolytic-uremic syndrome; Factor H deficiency. Last evaluated: 2025-10-02. Review status: criteria provided, single submitter. Criteria: Genomenon Sequence Variant Interpretation Standards - Updated. Collection method: curation. Allele origin: germline. Affected: no.
Comment: CFH p.Ser1196Pro (c.3586T>C) is a missense variant that changes the amino acid at residue 1196 from Serine to Proline. This variant has been reported in the published literature (PMID:38765559). It is absent or not present at a significant frequency in gnomAD. In silico models agree that this variant is not damaging. In conclusion, we classify CFH p.Ser1196Pro (c.3586T>C) as a variant of uncertain significance.

Literature cited by the submitters: PubMed 38765559.